The following is an entry in ClinVar:

NM_001206641.3(COA6):c.90G>A (p.Glu30=)

Genes: COA6 (cytochrome c oxidase assembly factor 6; plus strand), COA6-AS1 (COA6 antisense RNA 1; minus strand). Cytogenetic location: 1q42.2.
Variant type: single nucleotide variant.
Coding change: c.90G>A on transcript NM_001206641.3 (MANE Select); coding-DNA position 90, G replaced by A.
Protein change: p.Glu30=; no amino-acid change (glutamic acid 30 retained).
Molecular consequence: synonymous variant. On other transcripts: non-coding transcript variant (1).
Genome position (GRCh38, 1-based): chr1:234,373,556, G>A. VCF-style: chr1-234373556-G-A. GRCh37 (hg19) VCF-style: chr1-234509302-G-A.
Other names: c.-163G>A (NM_001012985.2).
Identifiers: ClinVar variation 510543 (VCV000510543.25), dbSNP rs781144654, ClinGen allele CA1459942.

ClinVar aggregate classification (germline): Likely benign. Review status: criteria provided, multiple submitters, no conflicts (2 of 4 stars). 2 submissions from 2 submitters: Likely benign (2). Last evaluated 2025-09-01.

Allele frequency attached by ClinVar (database versions not stated): ExAC 0.00013; TOPMed 0.00008; gnomAD exomes 0.00010.
gnomAD v4.1: 126 of 1,611,886 alleles (0.0078%); highest among the groups gnomAD compares: Non-Finnish European, 0.0098%; no homozygotes.

Submissions (2):

CeGaT Center for Human Genetics Tuebingen
Classification: Likely benign. Last evaluated: 2025-09-01. Review status: criteria provided, single submitter. Criteria: CeGaT Center For Human Genetics Tuebingen Variant Classification Criteria Version 2. Collection method: clinical testing. Allele origin: germline. Affected: yes. Observed: 2 variant alleles.
Comment: COA6: BP4, BP7

GeneDx
Classification: Likely benign. Last evaluated: 2017-07-18. Review status: criteria provided, single submitter. Criteria: GeneDx Variant Classification (06012015). Collection method: clinical testing. Allele origin: germline. Affected: yes.
Comment: This variant is considered likely benign or benign based on one or more of the following criteria: it is a conservative change, it occurs at a poorly conserved position in the protein, it is predicted to be benign by multiple in silico algorithms, and/or has population frequency not consistent with disease.